The following is an entry in ClinVar:

NM_001366686.3(SIK3):c.4086C>T (p.Phe1362=)

Genes: APOA1-AS (APOA1 antisense RNA; plus strand), SIK3 (SIK family kinase 3; minus strand). Cytogenetic location: 11q23.3.
Variant type: single nucleotide variant.
Coding change: c.4086C>T on transcript NM_001366686.3 (MANE Select); coding-DNA position 4086, C replaced by T.
Protein change: p.Phe1362=; no amino-acid change (phenylalanine 1362 retained).
Molecular consequence: synonymous variant.
Genome position (GRCh38, 1-based): chr11:116,846,420, G>A on the plus strand (C>T on the coding strand, the complement: SIK3 is on the minus strand). VCF-style: chr11-116846420-G-A. GRCh37 (hg19) VCF-style: chr11-116717136-G-A.
Other names: c.3942C>T (NM_025164.4); c.3285C>T, p.Phe1095= (NM_001281748.3); c.3762C>T, p.Phe1254= (NM_001281749.3); c.3942C>T, p.Phe1314= (NM_025164.6).
Identifiers: ClinVar variation 3024826 (VCV003024826.23), dbSNP rs150767868, ClinGen allele CA6289954.

ClinVar aggregate classification (germline): Likely benign. Review status: criteria provided, single submitter (1 of 4 stars). 2 submissions from 2 submitters: Likely benign (1). 1 of the submissions does not count toward it. Last evaluated 2025-08-01.

Conditions:
SIK3-related disorder. Also called: SIK3-related condition.

Allele frequency attached by ClinVar (database versions not stated): 1000 Genomes Project 0.00080; 1000 Genomes Project 30x 0.00094; ESP Exome Variant Server 0.00208; TOPMed 0.00208; gnomAD 0.00243; ExAC 0.00353; gnomAD exomes 0.00361.
gnomAD v4.1: 5,592 of 1,614,190 alleles (0.35%); highest among the groups gnomAD compares: Non-Finnish European, 0.39%; 13 homozygotes.

Submissions (2):

CeGaT Center for Human Genetics Tuebingen
Classification: Likely benign. Last evaluated: 2025-08-01. Review status: criteria provided, single submitter. Criteria: CeGaT Center For Human Genetics Tuebingen Variant Classification Criteria Version 2. Collection method: clinical testing. Allele origin: germline. Affected: yes. Observed: 2 variant alleles.
Comment: APOA1-AS: BS2; SIK3: BS2

PreventionGenetics, part of Exact Sciences
Classification: Likely benign for SIK3-related condition. Last evaluated: 2019-04-16. Review status: no assertion criteria provided. Collection method: clinical testing. Allele origin: germline. Not counted in ClinVar's aggregate classification.
Comment: This variant is classified as likely benign based on ACMG/AMP sequence variant interpretation guidelines (Richards et al. 2015 PMID: 25741868, with internal and published modifications).